The following is an entry in ClinVar:

NM_021939.4(FKBP10):c.1256C>T (p.Ser419Leu)

Gene: FKBP10 (FKBP prolyl isomerase 10; plus strand). Cytogenetic location: 17q21.2.
Variant type: single nucleotide variant.
Coding change: c.1256C>T on transcript NM_021939.4 (MANE Select); coding-DNA position 1256, C replaced by T.
Protein change: p.Ser419Leu; replaces serine 419 with leucine.
Molecular consequence: missense variant.
Genome position (GRCh38, 1-based): chr17:41,820,461, C>T. VCF-style: chr17-41820461-C-T. GRCh37 (hg19) VCF-style: chr17-39976713-C-T.
Other names: short protein forms S419L.
Identifiers: ClinVar variation 810921 (VCV000810921.27), dbSNP rs146422412, ClinGen allele CA8566548.

ClinVar aggregate classification (germline): Conflicting classifications of pathogenicity. Review status: criteria provided, conflicting classifications (1 of 4 stars). 9 submissions from 9 submitters: Uncertain significance (3); Likely benign (3). 3 of the submissions do not count toward it. Last evaluated 2026-01-26.

Conditions:
FKBP10-related disorder. Also called: FKBP10-related condition.
Osteogenesis imperfecta (OI). Identifiers: Orphanet 666, MedGen C0029434, MeSH D010013, MONDO:0019019.

Allele frequency attached by ClinVar (database versions not stated): 1000 Genomes Project 0.00060; ESP Exome Variant Server 0.00085; TOPMed 0.00096; gnomAD 0.00107 and 0.00108; gnomAD exomes 0.00111 and 0.00146; ExAC 0.00132.

Submissions (9):

Labcorp Genetics (formerly Invitae), Labcorp
Classification: Likely benign. Last evaluated: 2026-01-26. Review status: criteria provided, single submitter. Criteria: Invitae Variant Classification Sherloc (09022015). Collection method: clinical testing. Allele origin: germline.

PreventionGenetics, part of Exact Sciences
Classification: Likely benign for FKBP10-related condition. Last evaluated: 2025-11-03. Review status: criteria provided, single submitter. Criteria: ACMG Guidelines, 2015. Collection method: clinical testing. Allele origin: germline.
Comment: This variant is classified as likely benign based on ACMG/AMP sequence variant interpretation guidelines (Richards et al. 2015 PMID: 25741868, with internal and published modifications).

GeneDx
Classification: Uncertain significance. Last evaluated: 2025-06-09. Review status: criteria provided, single submitter. Criteria: GeneDx Variant Classification Process June 2021. Collection method: clinical testing. Allele origin: germline.
Comment: Reported in heterozygous state in an individual with progressive short stature and skeletal dysplasia, who also harbored other heterozygous variants in other skeletal dysplasia-related genes (PMID: 34149817); In silico analysis supports that this missense variant has a deleterious effect on protein structure/function; This variant is associated with the following publications: (PMID: 34149817)

Women's Health and Genetics/Laboratory Corporation of America, LabCorp
Classification: Likely benign. Last evaluated: 2023-05-31. Review status: criteria provided, single submitter. Criteria: LabCorp Variant Classification Summary - May 2015. Collection method: clinical testing. Allele origin: germline.
Comment: Variant summary: FKBP10 c.1256C>T (p.Ser419Leu) results in a non-conservative amino acid change located in the FKBP-type peptidyl-prolyl cis-trans isomerase domain (IPR001179) of the encoded protein sequence. Five of five in-silico tools predict a damaging effect of the variant on protein function. 4/4 computational tools predict no significant impact on normal splicing. However, these predictions have yet to be confirmed by functional studies. The variant allele was found at a frequency of 0.0011 in 249908 control chromosomes, predominantly at a frequency of 0.0018 within the Non-Finnish European subpopulation in the gnomAD database, with increased frequencies in several additional subpopulations. The observed variant frequency within Non-Finnish European control individuals in the gnomAD database is approximately 1.61 fold of the estimated maximal expected allele frequency for a pathogenic variant in FKBP10 causing Osteogenesis Imperfecta phenotype (0.0011), strongly suggesting that the variant is a benign polymorphism. c.1256C>T has been reported in the literature in one family with members both unaffected or affected with skeletal dysplasia who also carry multiple variants of unknown classification (e.g. Constantini_2021). These report(s) do not provide unequivocal conclusions about association of the variant with Osteogenesis Imperfecta. The following publication has been ascertained in the context of this evaluation (PMID: 34149817). To our knowledge, no experimental evidence demonstrating an impact on protein function has been reported. Three clinical diagnostic laboratories have submitted clinical-significance assessments for this variant to ClinVar after 2014 without evidence for independent evaluation, classifying the variant as likely benign (n=1) or uncertain significance (n=2). Based on the evidence outlined above, the variant was classified as likely benign.

ARUP Laboratories, Molecular Genetics and Genomics, ARUP Laboratories
Classification: Uncertain significance. Last evaluated: 2019-01-23. Review status: criteria provided, single submitter. Criteria: ARUP Molecular Germline Variant Investigation Process. Collection method: clinical testing. Allele origin: germline.
Comment: The FKBP10 c.1256C>T; p.Ser419Leu variant (rs146422412), to our knowledge, is not described in the medical literature or in gene-specific databases. It is observed in the general population at an overall frequency of 0.11% (314/281234 alleles) in the Genome Aggregation Database. The serine at codon 419 is highly conserved, and computational algorithms (PolyPhen-2, SIFT) predict that this variant is deleterious. However, due to the lack of clinical and functional data regarding this variant, its clinical significance cannot be determined with certainty.

Genome Diagnostics Laboratory, The Hospital for Sick Children
Classification: Uncertain significance for Osteogenesis imperfecta. Last evaluated: 2018-08-01. Review status: criteria provided, single submitter. Criteria: ACMG Guidelines, 2015. Collection method: clinical testing. Allele origin: germline.

Clinical Genetics DNA and cytogenetics Diagnostics Lab, Erasmus MC, Erasmus Medical Center
Classification: Uncertain significance. Review status: no assertion criteria provided. Collection method: clinical testing. Allele origin: germline. Affected: yes. Study: VKGL Data-share Consensus. Not counted in ClinVar's aggregate classification.

Diagnostic Laboratory, Department of Genetics, University Medical Center Groningen
Classification: Uncertain significance. Review status: no assertion criteria provided. Collection method: clinical testing. Allele origin: germline. Affected: yes. Study: VKGL Data-share Consensus. Not counted in ClinVar's aggregate classification.

Laboratory of Diagnostic Genome Analysis, Leiden University Medical Center (LUMC)
Classification: Uncertain significance. Review status: no assertion criteria provided. Collection method: clinical testing. Allele origin: germline. Affected: yes. Study: VKGL Data-share Consensus. Not counted in ClinVar's aggregate classification.

Literature cited by the submitters: PubMed 34149817 (cited by Women's Health and Genetics/Laboratory Corporation of America, LabCorp).